The following is an entry in ClinVar:

NM_020884.7(MYH7B):c.3679_3681del (p.Glu1227del)

Gene: MYH7B (myosin heavy chain 7B; plus strand). Cytogenetic location: 20q11.22.
Variant type: Deletion.
Coding change: c.3679_3681del on transcript NM_020884.7 (MANE Select); coding-DNA positions 3679 to 3681, 3 bases deleted (GAG; older notation c.3679_3681delGAG).
Protein change: p.Glu1227del; deletes glutamic acid 1227.
Molecular consequence: inframe deletion.
Genome position (GRCh38, 1-based): chr20:34,997,572-34,997,574, GAG deleted; deleting any 3 consecutive bases within chr20:34,997,570-34,997,574 gives the same sequence; the c. name uses the placement nearest the transcript's 3' end. VCF-style (leftmost placement, unchanged base first): chr20-34997569-AAGG-A. GRCh37 (hg19) VCF-style: chr20-33585372-AAGG-A.
Other names: short protein forms E1227del.
Identifiers: ClinVar variation 1468529 (VCV001468529.10), dbSNP rs748988032, ClinGen allele CA9827805.

ClinVar aggregate classification (germline): Uncertain significance (1 of 4 stars; one submission).

Submission:

Labcorp Genetics (formerly Invitae), Labcorp
Classification: Uncertain significance. Last evaluated: 2025-09-02. Review status: criteria provided, single submitter. Criteria: Invitae Variant Classification Sherloc (09022015). Collection method: clinical testing. Allele origin: germline.
Comment: This variant, c.3805_3807del, results in the deletion of 1 amino acid(s) of the MYH7B protein (p.Glu1269del), but otherwise preserves the integrity of the reading frame. This variant is present in population databases (rs748988032, gnomAD 0.01%). This variant has not been reported in the literature in individuals affected with MYH7B-related conditions. ClinVar contains an entry for this variant (Variation ID: 1468529). Experimental studies and prediction algorithms are not available or were not evaluated, and the functional significance of this variant is currently unknown. In summary, the available evidence is currently insufficient to determine the role of this variant in disease. Therefore, it has been classified as a Variant of Uncertain Significance.